The following is an entry in ClinVar:

NM_001372.4(DNAH9):c.7429G>A (p.Val2477Met)

Gene: DNAH9 (dynein axonemal heavy chain 9; plus strand). Cytogenetic location: 17p12.
Variant type: single nucleotide variant.
Coding change: c.7429G>A on transcript NM_001372.4 (MANE Select); coding-DNA position 7429, G replaced by A.
Protein change: p.Val2477Met; replaces valine 2477 with methionine.
Molecular consequence: missense variant.
Genome position (GRCh38, 1-based): chr17:11,769,206, G>A. VCF-style: chr17-11769206-G-A. GRCh37 (hg19) VCF-style: chr17-11672523-G-A.
Other names: short protein forms V2477M.
Identifiers: ClinVar variation 2078165 (VCV002078165.2), dbSNP rs141059321, ClinGen allele CA8396630.

ClinVar aggregate classification (germline): Uncertain significance. Review status: criteria provided, multiple submitters, no conflicts (2 of 4 stars). 2 submissions from 2 submitters: Uncertain significance (2). Last evaluated 2023-11-22.

Allele frequency attached by ClinVar (database versions not stated): gnomAD exomes 0.00006; gnomAD 0.00007; TOPMed 0.00008; ExAC 0.00012; ESP Exome Variant Server 0.00031.
gnomAD v4.1: 102 of 1,614,228 alleles (0.0063%); highest among the groups gnomAD compares: Middle Eastern, 0.033%; no homozygotes.

Submissions (2):

Blueprint Genetics
Classification: Uncertain significance. Last evaluated: 2023-11-22. Review status: criteria provided, single submitter. Criteria: ACMG Guidelines, 2015. Collection method: clinical testing. Allele origin: germline.

Labcorp Genetics (formerly Invitae), Labcorp
Classification: Uncertain significance. Last evaluated: 2022-04-24. Review status: criteria provided, single submitter. Criteria: Invitae Variant Classification Sherloc (09022015). Collection method: clinical testing. Allele origin: germline.
Comment: This sequence change replaces valine, which is neutral and non-polar, with methionine, which is neutral and non-polar, at codon 2477 of the DNAH9 protein (p.Val2477Met). This variant is present in population databases (rs141059321, gnomAD 0.01%). This variant has not been reported in the literature in individuals affected with DNAH9-related conditions. Algorithms developed to predict the effect of missense changes on protein structure and function are either unavailable or do not agree on the potential impact of this missense change (SIFT: "Deleterious"; PolyPhen-2: "Probably Damaging"; Align-GVGD: "Class C0"). In summary, the available evidence is currently insufficient to determine the role of this variant in disease. Therefore, it has been classified as a Variant of Uncertain Significance.